The following is an entry in ClinVar:

NM_198578.4(LRRK2):c.6620T>C (p.Leu2207Pro)

Gene: LRRK2 (leucine rich repeat kinase 2; plus strand). Cytogenetic location: 12q12.
Variant type: single nucleotide variant.
Coding change: c.6620T>C on transcript NM_198578.4 (MANE Select); coding-DNA position 6620, T replaced by C.
Protein change: p.Leu2207Pro; replaces leucine 2207 with proline.
Molecular consequence: missense variant.
Genome position (GRCh38, 1-based): chr12:40,354,342, T>C. VCF-style: chr12-40354342-T-C. GRCh37 (hg19) VCF-style: chr12-40748144-T-C.
Other names: short protein forms L2207P.
Identifiers: ClinVar variation 3291879 (VCV003291879.1).

ClinVar aggregate classification (germline): Uncertain significance (1 of 4 stars; one submission).

Conditions:
Inborn genetic diseases. Identifiers: MedGen C0950123, MeSH D030342.

gnomAD v4.1: 1 of 1,614,016 alleles (0.000062%); highest among the groups gnomAD compares: African/African-American, 0.0013%; no homozygotes.

Submission:

Ambry Genetics
Classification: Uncertain significance for Inborn genetic diseases. Last evaluated: 2024-05-15. Review status: criteria provided, single submitter. Criteria: Ambry Variant Classification Scheme 2023. Collection method: clinical testing. Allele origin: germline.
Comment: The p.L2207P variant (also known as c.6620T>C), located in coding exon 45 of the LRRK2 gene, results from a T to C substitution at nucleotide position 6620. The leucine at codon 2207 is replaced by proline, an amino acid with similar properties. This amino acid position is conserved. In addition, this alteration is predicted to be deleterious by in silico analysis. Based on the available evidence, the clinical significance of this variant remains unclear.